The following is an entry in ClinVar:

NM_018051.5(DYNC2I1):c.2512C>G (p.Leu838Val)

Gene: DYNC2I1 (dynein 2 intermediate chain 1; plus strand). Cytogenetic location: 7q36.3.
Variant type: single nucleotide variant.
Coding change: c.2512C>G on transcript NM_018051.5 (MANE Select); coding-DNA position 2512, C replaced by G.
Protein change: p.Leu838Val; replaces leucine 838 with valine.
Molecular consequence: missense variant.
Genome position (GRCh38, 1-based): chr7:158,930,481, C>G. VCF-style: chr7-158930481-C-G. GRCh37 (hg19) VCF-style: chr7-158723172-C-G.
Other names: c.2374C>G, p.Leu792Val (NM_001350914.2); c.1939C>G, p.Leu647Val (NM_001350915.2); c.1051C>G, p.Leu351Val (NM_001350916.2); c.1264C>G, p.Leu422Val (NM_001350917.2, NM_001350918.2); short protein forms L422V, L647V, L792V, L838V, L351V.
Identifiers: ClinVar variation 963057 (VCV000963057.8), dbSNP rs770020503, ClinGen allele CA4595033.

ClinVar aggregate classification (germline): Uncertain significance (1 of 4 stars; one submission).

Conditions:
Short-rib thoracic dysplasia 8 with or without polydactyly (SRTD8). Also called: SHORT-RIB THORACIC DYSPLASIA 8 WITH POLYDACTYLY. Identifiers: Orphanet 93271, MedGen C3809691, MONDO:0014214, OMIM 615503.

Allele frequency attached by ClinVar (database versions not stated): gnomAD 0.00004 and 0.00003; gnomAD exomes below 0.00001; ExAC 0.00001; TOPMed 0.00002.
gnomAD v4.1: 5 of 1,612,934 alleles (0.00031%); highest among the groups gnomAD compares: African/African-American, 0.0067%; no homozygotes.

Submissions (2):

Labcorp Genetics (formerly Invitae), Labcorp
Classification: Uncertain significance for Short-rib thoracic dysplasia 8 with or without polydactyly. Last evaluated: 2019-07-09. Review status: criteria provided, single submitter. Criteria: Invitae Variant Classification Sherloc (09022015). Collection method: clinical testing. Allele origin: germline.
Comment: In summary, the available evidence is currently insufficient to determine the role of this variant in disease. Therefore, it has been classified as a Variant of Uncertain Significance. Algorithms developed to predict the effect of missense changes on protein structure and function are either unavailable or do not agree on the potential impact of this missense change (SIFT: "Deleterious"; PolyPhen-2: "Possibly Damaging"; Align-GVGD: "Class C0"). This variant has not been reported in the literature in individuals with WDR60-related conditions. This variant is present in population databases (rs770020503, ExAC 0.01%). This sequence change replaces leucine with valine at codon 838 of the WDR60 protein (p.Leu838Val). The leucine residue is highly conserved and there is a small physicochemical difference between leucine and valine.

Dr. Peter K. Rogan Lab, Western University
No classification provided (evidence only). Condition: Thyroid cancer, nonmedullary, 1. Review status: no classification provided. Collection method: in vitro. Allele origin: not applicable. Functional consequence: retained intron. Not counted in ClinVar's aggregate classification.